The following is an entry in ClinVar:

NM_001253852.3(AP4B1):c.1739G>T (p.Gly580Val)

Genes: AP4B1-AS1 (AP4B1 antisense RNA 1; plus strand), AP4B1 (adaptor related protein complex 4 subunit beta 1; minus strand). Cytogenetic location: 1p13.2.
Variant type: single nucleotide variant.
Coding change: c.1739G>T on transcript NM_001253852.3 (MANE Select); coding-DNA position 1739, G replaced by T.
Protein change: p.Gly580Val; replaces glycine 580 with valine.
Molecular consequence: missense variant.
Genome position (GRCh38, 1-based): chr1:113,895,810, C>A on the plus strand (G>T on the coding strand, the complement: AP4B1 is on the minus strand). VCF-style: chr1-113895810-C-A. GRCh37 (hg19) VCF-style: chr1-114438432-C-A.
Other names: c.1442G>T, p.Gly481Val (NM_001253853.3); c.1235G>T, p.Gly412Val (NM_001308312.2); c.1739G>T, p.Gly580Val (NM_006594.5); short protein forms G481V, G412V, G580V.
Identifiers: ClinVar variation 656485 (VCV000656485.9), dbSNP rs762174414, ClinGen allele CA28995086.

ClinVar aggregate classification (germline): Uncertain significance. Review status: criteria provided, multiple submitters, no conflicts (2 of 4 stars). 2 submissions from 2 submitters: Uncertain significance (2). Last evaluated 2024-07-20.

Conditions:
Hereditary spastic paraplegia 47. Also called: adaptor protein 4 (AP-4) deficiency syndrome; CEREBRAL PALSY, SPASTIC QUADRIPLEGIC, 5; Spastic paraplegia 47, autosomal recessive. Identifiers: Orphanet 280763, MedGen C3279738, MONDO:0013551, OMIM 614066.

Allele frequency attached by ClinVar (database versions not stated): gnomAD exomes below 0.00001; TOPMed below 0.00001.

Submissions (2):

Labcorp Genetics (formerly Invitae), Labcorp
Classification: Uncertain significance for Hereditary spastic paraplegia 47. Last evaluated: 2024-07-20. Review status: criteria provided, single submitter. Criteria: Invitae Variant Classification Sherloc (09022015). Collection method: clinical testing. Allele origin: germline.
Comment: This sequence change replaces glycine, which is neutral and non-polar, with valine, which is neutral and non-polar, at codon 580 of the AP4B1 protein (p.Gly580Val). This variant is present in population databases (rs762174414, gnomAD 0.0009%). This variant has not been reported in the literature in individuals affected with AP4B1-related conditions. ClinVar contains an entry for this variant (Variation ID: 656485). Advanced modeling of protein sequence and biophysical properties (such as structural, functional, and spatial information, amino acid conservation, physicochemical variation, residue mobility, and thermodynamic stability) performed at Invitae indicates that this missense variant is not expected to disrupt AP4B1 protein function with a negative predictive value of 80%. In summary, the available evidence is currently insufficient to determine the role of this variant in disease. Therefore, it has been classified as a Variant of Uncertain Significance.

Blueprint Genetics
Classification: Uncertain significance. Last evaluated: 2019-08-19. Review status: criteria provided, single submitter. Criteria: ACMG Guidelines, 2015. Collection method: clinical testing. Allele origin: germline.